The following is an entry in ClinVar:

NM_000271.5(NPC1):c.1947+7_1947+11dup

Gene: NPC1 (NPC intracellular cholesterol transporter 1; minus strand). Cytogenetic location: 18q11.2.
Variant type: Duplication.
Coding change: c.1947+7_1947+11dup on transcript NM_000271.5 (MANE Select); bases 7 to 11 of the intron after coding-DNA position 1947, 5 bases duplicated (CGGGG; older notation c.1947+7_1947+11dupCGGGG).
Molecular consequence: intron variant.
Genome position (GRCh38, 1-based): chr18:23,544,949-23,544,953, CCCCG duplicated on the plus strand (CGGGG on the coding strand, the reverse complement: NPC1 is on the minus strand). VCF-style (leftmost placement, unchanged base first): chr18-23544948-C-CCCCCG. GRCh37 (hg19) VCF-style: chr18-21124912-C-CCCCCG.
Other names: c.1947+7_1947+11dup5 (NM_000271.4).
Identifiers: ClinVar variation 326271 (VCV000326271.14), dbSNP rs1555634670, ClinGen allele CA8913311.

ClinVar aggregate classification (germline): Likely benign. Review status: criteria provided, multiple submitters, no conflicts (2 of 4 stars). 3 submissions from 3 submitters: Likely benign (2). 1 of the submissions does not count toward it. Last evaluated 2026-01-27.

Conditions:
Niemann-Pick disease, type C1. Also called: NIEMANN-PICK DISEASE, VARIANT TYPE C1; NEUROVISCERAL STORAGE DISEASE WITH VERTICAL SUPRANUCLEAR OPHTHALMOPLEGIA; NIEMANN-PICK DISEASE WITH CHOLESTEROL ESTERIFICATION BLOCK; NIEMANN-PICK DISEASE WITHOUT SPHINGOMYELINASE DEFICIENCY; NIEMANN-PICK DISEASE, CHRONIC NEURONOPATHIC FORM. Identifiers: Orphanet 646, MedGen C3179455, MONDO:0009757, OMIM 257220.
NPC1-related disorder. Also called: NPC1-related condition.

Allele frequency attached by ClinVar (database versions not stated): gnomAD exomes 0.00007 and 0.00009; ExAC 0.00012; gnomAD 0.00019 and 0.00021.

Submissions (3):

Labcorp Genetics (formerly Invitae), Labcorp
Classification: Likely benign for Niemann-Pick disease, type C1. Last evaluated: 2026-01-27. Review status: criteria provided, single submitter. Criteria: Invitae Variant Classification Sherloc (09022015). Collection method: clinical testing. Allele origin: germline.

Blueprint Genetics
Classification: Likely benign. Last evaluated: 2024-09-23. Review status: criteria provided, single submitter. Criteria: ACMG Guidelines, 2015. Collection method: clinical testing. Allele origin: germline.

PreventionGenetics, part of Exact Sciences
Classification: Likely benign for NPC1-related condition. Last evaluated: 2024-09-21. Review status: no assertion criteria provided. Collection method: clinical testing. Allele origin: germline. Not counted in ClinVar's aggregate classification.
Comment: This variant is classified as likely benign based on ACMG/AMP sequence variant interpretation guidelines (Richards et al. 2015 PMID: 25741868, with internal and published modifications).